The following is an entry in ClinVar:

NC_012920.1(MT-ATP6):m.9116T>C

Gene: MT-ATP6 (mitochondrially encoded ATP synthase 6; plus strand).
Variant type: single nucleotide variant.
Genome position: chrM-9116-T-C.
Identifiers: ClinVar variation 693098 (VCV000693098.1), dbSNP rs376203575, ClinGen allele CA337098216.

ClinVar aggregate classification (germline): Benign (1 of 4 stars; one submission).

Conditions:
Leigh syndrome (NULS). Also called: Leigh's necrotizing encephalopathy; Leigh's disease; Leigh Syndrome (mtDNA deletion); Leigh Disease; Subacute necrotizing encephalopathy; Necrotizing encephalopathy infantile subacute of Leigh. Identifiers: Orphanet 506, MedGen C2931891, MONDO:0009723, OMIM 256000.

Submission:

Wong Mito Lab, Molecular and Human Genetics, Baylor College of Medicine
Classification: Benign for Leigh syndrome. Last evaluated: 2019-10-17. Review status: criteria provided, single submitter. Criteria: Modified ACMG Guidelines (Unpublished). Collection method: clinical testing. Allele origin: germline.
Comment: The NC_012920.1:m.9116T>C (YP_003024031.1:p.Ile197Thr) variant in MTATP6 gene is interpretated to be a Benign variant based on the modified ACMG guidelines (unpublished). This variant meets the following evidence codes: BS1, BS2, BP4